The following is an entry in ClinVar:

NM_006904.7(PRKDC):c.1406C>T (p.Ala469Val)

Gene: PRKDC (protein kinase, DNA-activated, catalytic subunit; minus strand). Cytogenetic location: 8q11.21.
Variant type: single nucleotide variant.
Coding change: c.1406C>T on transcript NM_006904.7 (MANE Select); coding-DNA position 1406, C replaced by T.
Protein change: p.Ala469Val; replaces alanine 469 with valine.
Molecular consequence: missense variant.
Genome position (GRCh38, 1-based): chr8:47,935,773, G>A on the plus strand (C>T on the coding strand, the complement: PRKDC is on the minus strand). VCF-style: chr8-47935773-G-A. GRCh37 (hg19) VCF-style: chr8-48848333-G-A.
Other names: c.1406C>T, p.Ala469Val (NM_001081640.2); short protein forms A469V.
Identifiers: ClinVar variation 1771904 (VCV001771904.2), dbSNP rs2551879542, ClinGen allele CA371165740.
Genomic context (GRCh38, chr8:47,935,773, plus strand): 5'-CAATAAATTGCAAACTTACCCACAGTACTAATGCAATTCCTGAGAACTGGCCCTTTTGCT[G>A]CCAAAGCTAGGAACACCTTCACTATGGCTCTGCAACACACCAGCTGCATTTTTGGACTGT-3'
Protein context (NP_008835.5, residues 459-479): RAIVKVFLAL[Ala469Val]AKGPVLRNCI

ClinVar aggregate classification (germline): Uncertain significance (1 of 4 stars; one submission).

Allele frequency attached by ClinVar (database versions not stated): gnomAD exomes below 0.00001.
gnomAD v4.1: 3 of 1,613,772 alleles (0.00019%); highest among the groups gnomAD compares: Non-Finnish European, 0.00025%; no homozygotes.

Submission:

Ambry Genetics
Classification: Uncertain significance. Last evaluated: 2022-04-29. Review status: criteria provided, single submitter. Criteria: Ambry Variant Classification Scheme 2023. Collection method: clinical testing. Allele origin: germline.
Comment: The p.A469V variant (also known as c.1406C>T), located in coding exon 13 of the PRKDC gene, results from a C to T substitution at nucleotide position 1406. The alanine at codon 469 is replaced by valine, an amino acid with similar properties. This amino acid position is conserved. In addition, this alteration is predicted to be tolerated by in silico analysis. Since supporting evidence is limited at this time, the clinical significance of this alteration remains unclear.